The following is an entry in ClinVar:

ClinVar aggregate classification (germline): Uncertain significance (1 of 4 stars; one submission).

Conditions:
Skeletal dysplasia, mild, with joint laxity and advanced bone age. Identifiers: MedGen C5394341, MONDO:0030029, OMIM 618870.

gnomAD v4.1: 20 of 1,614,024 alleles (0.0012%); highest among the groups gnomAD compares: East Asian, 0.016%; no homozygotes.

Submission:

Juno Genomics, Hangzhou Juno Genomics, Inc
Classification: Uncertain significance for Skeletal dysplasia, mild, with joint laxity and advanced bone age. Review status: criteria provided, single submitter. Criteria: ACMG Guidelines, 2015. Collection method: clinical testing. Allele origin: germline.
Comment: Absent from controls (or at extremely low frequency if recessive) in Genome Aggregation Database.;Null variant in a gene where loss of function (LOF) is a known mechanism of disease.

NM_001354483.2(CSGALNACT1):c.1408C>T (p.Arg470Ter)

Gene: CSGALNACT1 (chondroitin sulfate N-acetylgalactosaminyltransferase 1; minus strand). Cytogenetic location: 8p21.3.
Variant type: single nucleotide variant.
Coding change: c.1408C>T on transcript NM_001354483.2 (MANE Select); coding-DNA position 1408, C replaced by T.
Protein change: p.Arg470Ter; replaces arginine 470 with a stop codon.
Molecular consequence: nonsense. On other transcripts: non-coding transcript variant (7).
Genome position (GRCh38, 1-based): chr8:19,405,971, G>A on the plus strand (C>T on the coding strand, the complement: CSGALNACT1 is on the minus strand). VCF-style: chr8-19405971-G-A. GRCh37 (hg19) VCF-style: chr8-19263482-G-A.
Other names: c.1408C>T, p.Arg470Ter (NM_001130518.2, NM_001354475.2, NM_001354476.2 and 18 more transcripts); short protein forms R470*.
Identifiers: ClinVar variation 5019357 (VCV005019357.2).